The following is an entry in ClinVar:

ClinVar aggregate classification (germline): Uncertain significance (1 of 4 stars; one submission).

Conditions:
Kabuki syndrome. Also called: NIIKAWA-KUROKI SYNDROME; Kabuki make-up syndrome. Identifiers: Orphanet 2322, MedGen C0796004, MONDO:0016512.

Submission:

Labcorp Genetics (formerly Invitae), Labcorp
Classification: Uncertain significance for Kabuki syndrome. Last evaluated: 2025-04-29. Review status: criteria provided, single submitter. Criteria: Invitae Variant Classification Sherloc (09022015). Collection method: clinical testing. Allele origin: germline.
Comment: This sequence change replaces glutamine, which is neutral and polar, with arginine, which is basic and polar, at codon 3507 of the KMT2D protein (p.Gln3507Arg). This variant is not present in population databases (gnomAD no frequency). This variant has not been reported in the literature in individuals affected with KMT2D-related conditions. Invitae Evidence Modeling of protein sequence and biophysical properties (such as structural, functional, and spatial information, amino acid conservation, physicochemical variation, residue mobility, and thermodynamic stability) indicates that this missense variant is not expected to disrupt KMT2D protein function with a negative predictive value of 95%. In summary, the available evidence is currently insufficient to determine the role of this variant in disease. Therefore, it has been classified as a Variant of Uncertain Significance.

NM_003482.4(KMT2D):c.10520A>G (p.Gln3507Arg)

Gene: KMT2D (lysine methyltransferase 2D; minus strand). Cytogenetic location: 12q13.12.
Variant type: single nucleotide variant.
Coding change: c.10520A>G on transcript NM_003482.4 (MANE Select); coding-DNA position 10520, A replaced by G.
Protein change: p.Gln3507Arg; replaces glutamine 3507 with arginine.
Molecular consequence: missense variant.
Genome position (GRCh38, 1-based): chr12:49,034,287, T>C on the plus strand (A>G on the coding strand, the complement: KMT2D is on the minus strand). VCF-style: chr12-49034287-T-C. GRCh37 (hg19) VCF-style: chr12-49428070-T-C.
Other names: short protein forms Q3507R.
Identifiers: ClinVar variation 4801212 (VCV004801212.1).